The following is an entry in ClinVar:

NM_001170629.2(CHD8):c.4249G>A (p.Val1417Met)

Gene: CHD8 (chromodomain helicase DNA binding protein 8; minus strand). Cytogenetic location: 14q11.2.
Variant type: single nucleotide variant.
Coding change: c.4249G>A on transcript NM_001170629.2 (MANE Select); coding-DNA position 4249, G replaced by A.
Protein change: p.Val1417Met; replaces valine 1417 with methionine.
Molecular consequence: missense variant.
Genome position (GRCh38, 1-based): chr14:21,400,996, C>T on the plus strand (G>A on the coding strand, the complement: CHD8 is on the minus strand). VCF-style: chr14-21400996-C-T. GRCh37 (hg19) VCF-style: chr14-21869155-C-T.
Other names: c.3412G>A, p.Val1138Met (NM_020920.4); short protein forms V1138M, V1417M.
Identifiers: ClinVar variation 4689285 (VCV004689285.2).
Genomic context (GRCh38, chr14:21,400,996, plus strand): 5'-GGTCATGTCTGCGGGAGCGTGGCCGCTCATCATCCTCACTTTCCAAATCAGAGAATTCCA[C>T]CAGGTCATCATCTTTCAGAGTGCTAAAGTGGCGCGTTTGTTTTCGTACTCTAGGTGTGTC-3'
Protein context (NP_001164100.1, residues 1407-1427): HFSTLKDDDL[Val1417Met]EFSDLESEDD

ClinVar aggregate classification (germline): Conflicting classifications of pathogenicity. Review status: criteria provided, conflicting classifications (1 of 4 stars). 2 submissions from 2 submitters: Likely pathogenic (1); Uncertain significance (1). Last evaluated 2026-01-27.

Conditions:
CHD8-related disorder. Also called: CHD8-related condition; CHD8-related disorders.

Submissions (2):

Women's Health and Genetics/Laboratory Corporation of America, LabCorp
Classification: Likely pathogenic for CHD8-Related Disorders. Last evaluated: 2026-01-27. Review status: criteria provided, single submitter. Criteria: LabCorp Variant Classification Summary - May 2015. Collection method: clinical testing. Allele origin: germline.
Comment: Variant summary: CHD8 c.4249G>A (p.Val1417Met) results in a conservative amino acid change in the encoded protein sequence. Algorithms developed to predict the effect of missense changes on protein structure and function are either unavailable or do not agree on the potential impact of this missense change. The variant was absent in 249150 control chromosomes. To our knowledge, no experimental evidence demonstrating an impact on protein function has been reported. No submitters have cited clinical-significance assessments for this variant to ClinVar. Based on the evidence outlined above, the variant was classified as likely pathogenic.

Labcorp Genetics (formerly Invitae), Labcorp
Classification: Uncertain significance. Last evaluated: 2025-08-20. Review status: criteria provided, single submitter. Criteria: Invitae Variant Classification Sherloc (09022015). Collection method: clinical testing. Allele origin: germline.
Comment: This sequence change replaces valine, which is neutral and non-polar, with methionine, which is neutral and non-polar, at codon 1417 of the CHD8 protein (p.Val1417Met). This variant is not present in population databases (gnomAD no frequency). This variant has not been reported in the literature in individuals affected with CHD8-related conditions. Invitae Evidence Modeling of protein sequence and biophysical properties (such as structural, functional, and spatial information, amino acid conservation, physicochemical variation, residue mobility, and thermodynamic stability) indicates that this missense variant is not expected to disrupt CHD8 protein function with a negative predictive value of 95%. In summary, the available evidence is currently insufficient to determine the role of this variant in disease. Therefore, it has been classified as a Variant of Uncertain Significance.